The following is an entry in ClinVar:

NM_003896.4(ST3GAL5):c.850-5C>T

Gene: ST3GAL5 (ST3 beta-galactoside alpha-2,3-sialyltransferase 5; minus strand). Cytogenetic location: 2p11.2.
Variant type: single nucleotide variant.
Coding change: c.850-5C>T on transcript NM_003896.4 (MANE Select); 5 bases into the intron before coding-DNA position 850, C replaced by T.
Molecular consequence: intron variant.
Genome position (GRCh38, 1-based): chr2:85,844,559, G>A on the plus strand (C>T on the coding strand, the complement: ST3GAL5 is on the minus strand). VCF-style: chr2-85844559-G-A. GRCh37 (hg19) VCF-style: chr2-86071682-G-A.
Other names: p.?; c.466-5C>T (NM_001354226.2, NM_001354233.2, NM_001354224.2 and 3 more transcripts); c.766-5C>T (NM_001354227.2, NM_001354229.2, NM_001354238.1); c.781-5C>T (NM_001042437.2); c.849+1818C>T (NM_001363847.1); c.127-5C>T (NM_001354247.1).
Identifiers: ClinVar variation 239584 (VCV000239584.25), dbSNP rs113976691, ClinGen allele CA1744960.

ClinVar aggregate classification (germline): Benign/Likely benign. Review status: criteria provided, multiple submitters, no conflicts (2 of 4 stars). 6 submissions from 6 submitters: Benign (3); Likely benign (2). 1 of the submissions does not count toward it. Last evaluated 2026-09-01.

Conditions:
ST3GAL5-related disorder. Also called: ST3GAL5-related condition.
GM3 synthase deficiency (SPDRS). Also called: AMISH INFANTILE EPILEPSY SYNDROME; SALT AND PEPPER MENTAL RETARDATION SYNDROME; SALT AND PEPPER DEVELOPMENTAL REGRESSION SYNDROME. Identifiers: Orphanet 171714, Orphanet 370933, MedGen C1836824, MONDO:0018274, OMIM 609056.

Allele frequency attached by ClinVar (database versions not stated): 1000 Genomes Project 0.00359; TOPMed 0.00442; ESP Exome Variant Server 0.00531; gnomAD exomes 0.00035; gnomAD 0.00319; 1000 Genomes Project 30x 0.00344.
gnomAD v4.1: 1,150 of 1,614,056 alleles (0.071%); highest among the groups gnomAD compares: African/African-American, 1.2%; 3 homozygotes.

Submissions (6):

CeGaT Center for Human Genetics Tuebingen
Classification: Likely benign. Last evaluated: 2026-09-01. Review status: criteria provided, single submitter. Criteria: CeGaT Center For Human Genetics Tuebingen Variant Classification Criteria Version 2. Collection method: clinical testing. Allele origin: germline. Affected: yes. Observed: 4 variant alleles.
Comment: ST3GAL5: BP4, BS1

Labcorp Genetics (formerly Invitae), Labcorp
Classification: Benign for GM3 synthase deficiency. Last evaluated: 2026-01-19. Review status: criteria provided, single submitter. Criteria: Invitae Variant Classification Sherloc (09022015). Collection method: clinical testing. Allele origin: germline.

Blueprint Genetics
Classification: Likely benign. Last evaluated: 2024-11-26. Review status: criteria provided, single submitter. Criteria: ACMG Guidelines, 2015. Collection method: clinical testing. Allele origin: germline.

Mayo Clinic Laboratories, Mayo Clinic
Classification: Benign. Last evaluated: 2019-06-28. Review status: criteria provided, single submitter. Criteria: ACMG Guidelines, 2015. Collection method: clinical testing. Allele origin: germline. Observed: 5 variant alleles.

Athena Diagnostics
Classification: Benign. Last evaluated: 2017-10-05. Review status: criteria provided, single submitter. Criteria: Athena Diagnostics Criteria. Collection method: clinical testing. Allele origin: germline.

PreventionGenetics, part of Exact Sciences
Classification: Benign for ST3GAL5-related condition. Last evaluated: 2019-08-12. Review status: no assertion criteria provided. Collection method: clinical testing. Allele origin: germline. Not counted in ClinVar's aggregate classification.
Comment: This variant is classified as benign based on ACMG/AMP sequence variant interpretation guidelines (Richards et al. 2015 PMID: 25741868, with internal and published modifications).